The following is an entry in ClinVar:

ClinVar aggregate classification (germline): Likely pathogenic (1 of 4 stars; one submission).

gnomAD v4.1: 6 of 1,612,956 alleles (0.00037%); highest among the groups gnomAD compares: African/African-American, 0.0013%; no homozygotes.

Submissions (2):

GeneDx
Classification: Likely pathogenic. Last evaluated: 2024-02-09. Review status: criteria provided, single submitter. Criteria: GeneDx Variant Classification Process June 2021. Collection method: clinical testing. Allele origin: germline. Affected: yes.
Comment: Has not been previously published as pathogenic or benign to our knowledge; Canonical splice site variant predicted to result in an in-frame loss of the adjacent exon in a gene for which loss of function is a known mechanism of disease; Not observed at significant frequency in large population cohorts (gnomAD)

Dr. Peter K. Rogan Lab, Western University
No classification provided (evidence only). Condition: Nonpapillary renal cell carcinoma. Review status: no classification provided. Collection method: in vitro. Allele origin: not applicable. Functional consequence: skipped exon, retained intron. Not counted in ClinVar's aggregate classification.

NM_001083614.2(EARS2):c.295+2T>C

Gene: EARS2 (glutamyl-tRNA synthetase 2, mitochondrial; minus strand). Cytogenetic location: 16p12.2.
Variant type: single nucleotide variant.
Coding change: c.295+2T>C on transcript NM_001083614.2 (MANE Select); the canonical splice donor site of the intron after coding-DNA position 295, T replaced by C.
Molecular consequence: splice donor variant.
Genome position (GRCh38, 1-based): chr16:23,552,147, A>G on the plus strand (T>C on the coding strand, the complement: EARS2 is on the minus strand). VCF-style: chr16-23552147-A-G. GRCh37 (hg19) VCF-style: chr16-23563468-A-G.
Other names: NC_000016.9:g.23563468A>G; c.295+2T>C (NM_001308211.1).
Identifiers: ClinVar variation 3340707 (VCV003340707.2).
Genomic context (GRCh38, chr16:23,552,147, plus strand): 5'-AGGCTCCTTTTCCTGCTTCCTGTTCCTTCCCTGCAGAAAGATCCTTTCTCTGCCAGGCTT[A>G]CCTGCCCACTCCAGCATGTCCTCAATATTCTCCGCTGCCCCAGGCACAACGCGAGTCTGA-3'